The following is an entry in ClinVar:

NM_152424.4(AMER1):c.379T>C (p.Phe127Leu)

Gene: AMER1 (APC membrane recruitment protein 1; minus strand). Cytogenetic location: Xq11.2.
Variant type: single nucleotide variant.
Coding change: c.379T>C on transcript NM_152424.4 (MANE Select); coding-DNA position 379, T replaced by C.
Protein change: p.Phe127Leu; replaces phenylalanine 127 with leucine.
Molecular consequence: missense variant.
Genome position (GRCh38, 1-based): chrX:64,192,908, A>G on the plus strand (T>C on the coding strand, the complement: AMER1 is on the minus strand). VCF-style: chrX-64192908-A-G. GRCh37 (hg19) VCF-style: chrX-63412788-A-G.
Other names: c.379T>C (NM_152424.3); short protein forms F127L.
Identifiers: ClinVar variation 1394316 (VCV001394316.9), dbSNP rs1930286519, ClinGen allele CA413311412.

ClinVar aggregate classification (germline): Conflicting classifications of pathogenicity. Review status: criteria provided, conflicting classifications (1 of 4 stars). 2 submissions from 2 submitters: Uncertain significance (1); Likely benign (1). Last evaluated 2025-05-28.

Conditions:
Inborn genetic diseases. Identifiers: MedGen C0950123, MeSH D030342.

Allele frequency attached by ClinVar (database versions not stated): gnomAD 0.00001; gnomAD exomes 0.00001; TOPMed 0.00001.
gnomAD v4.1: 4 of 1,210,097 alleles (0.00033%); highest among the groups gnomAD compares: African/African-American, 0.007%; no homozygotes.

Submissions (2):

Ambry Genetics
Classification: Likely benign for Inborn genetic diseases. Last evaluated: 2025-05-28. Review status: criteria provided, single submitter. Criteria: Ambry Variant Classification Scheme 2023. Collection method: clinical testing. Allele origin: germline.

Labcorp Genetics (formerly Invitae), Labcorp
Classification: Uncertain significance. Last evaluated: 2023-07-28. Review status: criteria provided, single submitter. Criteria: Invitae Variant Classification Sherloc (09022015). Collection method: clinical testing. Allele origin: germline.
Comment: This sequence change replaces phenylalanine, which is neutral and non-polar, with leucine, which is neutral and non-polar, at codon 127 of the AMER1 protein (p.Phe127Leu). This variant is not present in population databases (gnomAD no frequency). This variant has not been reported in the literature in individuals affected with AMER1-related conditions. ClinVar contains an entry for this variant (Variation ID: 1394316). Algorithms developed to predict the effect of missense changes on protein structure and function output the following: SIFT: "Not Available"; PolyPhen-2: "Benign"; Align-GVGD: "Not Available". The leucine amino acid residue is found in multiple mammalian species, which suggests that this missense change does not adversely affect protein function. In summary, the available evidence is currently insufficient to determine the role of this variant in disease. Therefore, it has been classified as a Variant of Uncertain Significance.